The following is an entry in ClinVar:

ClinVar aggregate classification (germline): Pathogenic (1 of 4 stars; one submission).

Submission:

GeneDx
Classification: Pathogenic. Last evaluated: 2025-07-28. Review status: criteria provided, single submitter. Criteria: GeneDx Variant Classification Process June 2021. Collection method: clinical testing. Allele origin: germline. Affected: yes.
Comment: Not observed at significant frequency in large population cohorts (gnomAD); In silico analysis supports that this missense variant has a deleterious effect on protein structure/function; Has not been previously published as pathogenic or benign to our knowledge

NM_002911.4(UPF1):c.1774G>A (p.Glu592Lys)

Gene: UPF1 (UPF1 RNA helicase and ATPase; plus strand). Cytogenetic location: 19p13.11.
Variant type: single nucleotide variant.
Coding change: c.1774G>A on transcript NM_002911.4 (MANE Select); coding-DNA position 1774, G replaced by A.
Protein change: p.Glu592Lys; replaces glutamic acid 592 with lysine.
Molecular consequence: missense variant.
Genome position (GRCh38, 1-based): chr19:18,856,250, G>A. VCF-style: chr19-18856250-G-A. GRCh37 (hg19) VCF-style: chr19-18967059-G-A.
Other names: c.1807G>A, p.Glu603Lys (NM_001297549.2); short protein forms E592K, E603K.
Identifiers: ClinVar variation 4689802 (VCV004689802.1).